The following is an entry in ClinVar:

NC_012920.1(MT-CYB):m.15315C>T

Gene: MT-CYB (mitochondrially encoded cytochrome b; plus strand).
Variant type: single nucleotide variant.
Genome position: chrM-15315-C-T.
Identifiers: ClinVar variation 693865 (VCV000693865.1), dbSNP rs879191792, ClinGen allele CA337100364.

ClinVar aggregate classification (germline): Benign (1 of 4 stars; one submission).

Conditions:
Leigh syndrome (NULS). Also called: Leigh's necrotizing encephalopathy; Leigh's disease; Leigh's syndrome; LEIGH SYNDROME, NUCLEAR; Leigh Syndrome (mtDNA deletion); Leigh Disease. Identifiers: Orphanet 506, MedGen C2931891, MONDO:0009723, OMIM 256000.

Submission:

Wong Mito Lab, Molecular and Human Genetics, Baylor College of Medicine
Classification: Benign for Leigh syndrome. Last evaluated: 2019-10-17. Review status: criteria provided, single submitter. Criteria: Modified ACMG Guidelines (Unpublished). Collection method: clinical testing. Allele origin: germline.
Comment: The NC_012920.1:m.15315C>T (YP_003024038.1:p.Ala190Val) variant in MTCYB gene is interpretated to be a Benign variant based on the modified ACMG guidelines (unpublished). This variant meets the following evidence codes: BS1, BS2, BP4